The following is an entry in ClinVar:

ClinVar aggregate classification (germline): Conflicting classifications of pathogenicity. Review status: criteria provided, conflicting classifications (1 of 4 stars). 2 submissions from 2 submitters: Uncertain significance (1); Likely benign (1). Last evaluated 2024-12-19.

Conditions:
Hereditary cancer-predisposing syndrome. Also called: Hereditary Cancer Syndrome; Neoplastic Syndromes, Hereditary; Tumor predisposition; Hereditary neoplastic syndrome. Identifiers: Orphanet 140162, MedGen C0027672, MeSH D009386, MONDO:0015356.
Birt-Hogg-Dube syndrome. Also called: Birt Hogg Dubé syndrome. Identifiers: Orphanet 122, MedGen C0346010, MONDO:0800444.

Submissions (2):

Ambry Genetics
Classification: Likely benign for Hereditary cancer-predisposing syndrome. Last evaluated: 2024-12-19. Review status: criteria provided, single submitter. Criteria: Ambry Variant Classification Scheme 2023. Collection method: clinical testing. Allele origin: germline.

Labcorp Genetics (formerly Invitae), Labcorp
Classification: Uncertain significance for Birt-Hogg-Dube syndrome. Last evaluated: 2022-10-12. Review status: criteria provided, single submitter. Criteria: Invitae Variant Classification Sherloc (09022015). Collection method: clinical testing. Allele origin: germline.
Comment: In summary, the available evidence is currently insufficient to determine the role of this variant in disease. Therefore, it has been classified as a Variant of Uncertain Significance. Algorithms developed to predict the effect of missense changes on protein structure and function output the following: SIFT: "Tolerated"; PolyPhen-2: "Benign"; Align-GVGD: "Class C0". The serine amino acid residue is found in multiple mammalian species, which suggests that this missense change does not adversely affect protein function. This sequence change replaces asparagine, which is neutral and polar, with serine, which is neutral and polar, at codon 55 of the FLCN protein (p.Asn55Ser). This variant is not present in population databases (gnomAD no frequency). This variant has not been reported in the literature in individuals affected with FLCN-related conditions. ClinVar contains an entry for this variant (Variation ID: 232994).

NM_144997.7(FLCN):c.164A>G (p.Asn55Ser)

Gene: FLCN (folliculin; minus strand). Cytogenetic location: 17p11.2.
Variant type: single nucleotide variant.
Coding change: c.164A>G on transcript NM_144997.7 (MANE Select); coding-DNA position 164, A replaced by G.
Protein change: p.Asn55Ser; replaces asparagine 55 with serine.
Molecular consequence: missense variant.
Genome position (GRCh38, 1-based): chr17:17,227,974, T>C on the plus strand (A>G on the coding strand, the complement: FLCN is on the minus strand). VCF-style: chr17-17227974-T-C. GRCh37 (hg19) VCF-style: chr17-17131288-T-C.
Other names: c.164A>G, p.Asn55Ser (NM_001353229.2, NM_001353230.2, NM_001353231.2 and 1 more transcripts); c.164A>G (LRG_325t1); short protein forms N55S.
Identifiers: ClinVar variation 232994 (VCV000232994.10), dbSNP rs876660119, ClinGen allele CA10580175.